The following is an entry in ClinVar:

NM_004481.5(GALNT2):c.865C>T (p.Gln289Ter)

Gene: GALNT2 (polypeptide N-acetylgalactosaminyltransferase 2; plus strand). Cytogenetic location: 1q42.13.
Variant type: single nucleotide variant.
Coding change: c.865C>T on transcript NM_004481.5 (MANE Select); coding-DNA position 865, C replaced by T.
Protein change: p.Gln289Ter; replaces glutamine 289 with a stop codon.
Molecular consequence: nonsense.
Genome position (GRCh38, 1-based): chr1:230,249,231, C>T. VCF-style: chr1-230249231-C-T. GRCh37 (hg19) VCF-style: chr1-230384977-C-T.
Other names: c.751C>T, p.Gln251Ter (NM_001291866.2); short protein forms Q289*, Q251*.
Identifiers: ClinVar variation 873545 (VCV000873545.3), dbSNP rs1665467473, ClinGen allele CA345184941.

ClinVar aggregate classification (germline): Pathogenic. Review status: criteria provided, single submitter (1 of 4 stars). 3 submissions from 3 submitters: Pathogenic (1). 2 of the submissions do not count toward it. Last evaluated 2020-12-18.

Conditions:
Congenital disorder of glycosylation, type iit. Also called: CDG IIt. Identifiers: MedGen C5394387, MONDO:0030043, OMIM 618885.

Submissions (3):

SIB Swiss Institute of Bioinformatics
Classification: Pathogenic for Congenital disorder of glycosylation, type iit. Last evaluated: 2020-12-18. Review status: criteria provided, single submitter. Criteria: ACMG Guidelines, 2015. Collection method: curation. Allele origin: unknown.
Comment: This variant is interpreted as Pathogenic for Congenital disorder of glycosylation 2T, autosomal recessive. The following ACMG Tag(s) were applied: Absent from controls (or at extremely low frequency if recessive) in Exome Sequencing Project, 1000 Genomes Project, or Exome Aggregation Consortium (PM2); Cosegregation with disease in multiple affected family members in a gene definitively known to cause the disease (PP1); Predicted nullvariant in a gene where LOF is a known mechanism of disease (PVS1 downgraded to strong); Well-established functional studies show a deleterious effect (PS3).

Institute of Human Genetics, University of Leipzig Medical Center
Classification: Pathogenic for Congenital disorder of glycosylation, type iit. Last evaluated: 2021-03-07. Review status: no assertion criteria provided. Collection method: clinical testing. Allele origin: germline. Inheritance: Autosomal recessive inheritance. Affected: yes. Not counted in ClinVar's aggregate classification.
Comment: Review of the variants reported in Reuter et al., 2017, PMID: 28097321: PVS1,PM2,PM3,PP4

OMIM
Classification: Pathogenic for CONGENITAL DISORDER OF GLYCOSYLATION, TYPE IIt. Last evaluated: 2020-05-20. Review status: no assertion criteria provided. Collection method: literature only. Allele origin: germline. Not counted in ClinVar's aggregate classification.

Literature cited by the submitters: PubMed 32293671 (cited by SIB Swiss Institute of Bioinformatics and OMIM); PubMed 27508872 (cited by SIB Swiss Institute of Bioinformatics and OMIM); PubMed 28097321 (cited by Institute of Human Genetics, University of Leipzig Medical Center).